The following is an entry in ClinVar:

ClinVar aggregate classification (germline): Pathogenic. Review status: criteria provided, multiple submitters, no conflicts (2 of 4 stars). 4 submissions from 4 submitters: Pathogenic (3). 1 of the submissions does not count toward it. Last evaluated 2025-04-11.

Conditions:
USH2A-related disorder. Also called: USH2A-related disorders; USH2A-related condition. Identifiers: MedGen CN239332.
Retinitis pigmentosa (RP). Identifiers: Orphanet 791, MedGen C0035334, MeSH D012174, MONDO:0019200, OMIM 268000. Inheritance: Autosomal dominant, autosomal recessive and X linked inheritance.
Usher syndrome type 2A. Also called: USHER SYNDROME, TYPE IIA; RETINAL DISEASE IN USHER SYNDROME TYPE IIA, MODIFIER OF. Identifiers: Orphanet 231178, Orphanet 886, MedGen C1848634, MONDO:0010169, OMIM 276901.

gnomAD v4.1: 1 of 1,613,892 alleles (0.000062%); no homozygotes.

Submissions (4):

Natera, Inc.
Classification: Pathogenic for Usher syndrome type 2A. Last evaluated: 2025-04-11. Review status: criteria provided, single submitter. Criteria: Natera Variant Classification Schema (03/2026). Collection method: clinical testing. Allele origin: germline.
Comment: The c.11700C>A variant in USH2A is a nonsense variant predicted to introduce a stop codon at amino acid 3900. This variant is expected to result in nonsense mediated decay, truncation, or a dysfunctional protein product. This variant is rare in the general population with a frequency below the threshold expected for the associated phenotype(s). This variant has been observed in one or more individuals affected with the associated recessive disease, as either homozygous or compound heterozygous with a second variant (PMID: 31998945, 28041643). Given the available evidence, this variant is classified as Pathogenic.

Myriad Genetics, Inc.
Classification: Pathogenic for USH2A-related disorder. Last evaluated: 2025-02-22. Review status: criteria provided, single submitter. Criteria: Myriad Autosomal Dominant, Autosomal Recessive and X-Linked Classification Criteria (2023). Collection method: clinical testing. Allele origin: unknown.
Comment: NM_206933.2(USH2A):c.11700C>A(Y3900*) is expected to be pathogenic in the context of USH2A-related disorders. This variant is predicted to lead to an abnormal or absent protein product due to the creation of a premature termination codon in USH2A, a gene where loss-of-function variants are known to be pathogenic. Please note: this variant was assessed in the context of healthy population screening.

Labcorp Genetics (formerly Invitae), Labcorp
Classification: Pathogenic. Last evaluated: 2023-10-13. Review status: criteria provided, single submitter. Criteria: Invitae Variant Classification Sherloc (09022015). Collection method: clinical testing. Allele origin: germline.
Comment: This sequence change creates a premature translational stop signal (p.Tyr3900*) in the USH2A gene. It is expected to result in an absent or disrupted protein product. Loss-of-function variants in USH2A are known to be pathogenic (PMID: 10729113, 10909849, 20507924, 25649381). This variant is not present in population databases (gnomAD no frequency). This premature translational stop signal has been observed in individual(s) with retinitis pigmentosa (PMID: 28041643). ClinVar contains an entry for this variant (Variation ID: 438005). For these reasons, this variant has been classified as Pathogenic.

NIHR Bioresource Rare Diseases, University of Cambridge
Classification: Uncertain significance for Retinitis pigmentosa. Last evaluated: 2015-01-01. Review status: no assertion criteria provided. Collection method: research. Allele origin: unknown. Affected: yes. Observed: 1 variant allele. Not counted in ClinVar's aggregate classification.

Literature cited by the submitters: PubMed 31998945 (cited by Natera, Inc.); PubMed 28041643 (cited by 3 submitters); PubMed 10729113 (cited by Labcorp Genetics (formerly Invitae), Labcorp); PubMed 10909849 (cited by Labcorp Genetics (formerly Invitae), Labcorp); PubMed 20507924 (cited by Labcorp Genetics (formerly Invitae), Labcorp); PubMed 25649381 (cited by Labcorp Genetics (formerly Invitae), Labcorp).

NM_206933.4(USH2A):c.11700C>A (p.Tyr3900Ter)

Gene: USH2A (usherin; minus strand). Cytogenetic location: 1q41.
Variant type: single nucleotide variant.
Coding change: c.11700C>A on transcript NM_206933.4 (MANE Select); coding-DNA position 11700, C replaced by A.
Protein change: p.Tyr3900Ter; replaces tyrosine 3900 with a stop codon.
Molecular consequence: nonsense.
Genome position (GRCh38, 1-based): chr1:215,741,386, G>T on the plus strand (C>A on the coding strand, the complement: USH2A is on the minus strand). VCF-style: chr1-215741386-G-T. GRCh37 (hg19) VCF-style: chr1-215914728-G-T.
Other names: short protein forms Y3900*.
Identifiers: ClinVar variation 438005 (VCV000438005.12), dbSNP rs1553257498, ClinGen allele CA344833144.